The following is an entry in ClinVar:

ClinVar aggregate classification (germline): Benign/Likely benign. Review status: criteria provided, multiple submitters, no conflicts (2 of 4 stars). 3 submissions from 3 submitters: Benign (1); Likely benign (1). 1 of the submissions does not count toward it. Last evaluated 2025-12-06.

Conditions:
TONSL-related disorder. Also called: TONSL-related condition.

Allele frequency attached by ClinVar (database versions not stated): gnomAD exomes 0.00016 and 0.00034; gnomAD 0.00019 and 0.00022; TOPMed 0.00023; ExAC 0.00080.
gnomAD v4.1: 276 of 1,552,332 alleles (0.018%); highest among the groups gnomAD compares: Non-Finnish European, 0.01%; no homozygotes.

Submissions (3):

Labcorp Genetics (formerly Invitae), Labcorp
Classification: Benign. Last evaluated: 2025-12-06. Review status: criteria provided, single submitter. Criteria: Invitae Variant Classification Sherloc (09022015). Collection method: clinical testing. Allele origin: germline.

Blueprint Genetics
Classification: Likely benign. Last evaluated: 2024-07-15. Review status: criteria provided, single submitter. Criteria: ACMG Guidelines, 2015. Collection method: clinical testing. Allele origin: germline.

PreventionGenetics, part of Exact Sciences
Classification: Likely benign for TONSL-related condition. Last evaluated: 2019-12-03. Review status: no assertion criteria provided. Collection method: clinical testing. Allele origin: germline. Not counted in ClinVar's aggregate classification.
Comment: This variant is classified as likely benign based on ACMG/AMP sequence variant interpretation guidelines (Richards et al. 2015 PMID: 25741868, with internal and published modifications).

NM_013432.5(TONSL):c.2781G>A (p.Pro927=)

Genes: TONSL (tonsoku like, DNA repair protein; minus strand), TONSL-AS1 (TONSL antisense RNA 1; plus strand). Cytogenetic location: 8q24.3.
Variant type: single nucleotide variant.
Coding change: c.2781G>A on transcript NM_013432.5 (MANE Select); coding-DNA position 2781, G replaced by A.
Protein change: p.Pro927=; no amino-acid change (proline 927 retained).
Molecular consequence: synonymous variant.
Genome position (GRCh38, 1-based): chr8:144,435,545, C>T on the plus strand (G>A on the coding strand, the complement: TONSL is on the minus strand). VCF-style: chr8-144435545-C-T. GRCh37 (hg19) VCF-style: chr8-145660928-C-T.
Other names: c.2781G>A (NM_013432.4).
Identifiers: ClinVar variation 1599459 (VCV001599459.11), dbSNP rs755724409, ClinGen allele CA4942706.